The following is an entry in ClinVar:

NM_015164.4(PLEKHM2):c.1243G>A (p.Asp415Asn)

Gene: PLEKHM2 (pleckstrin homology and RUN domain containing M2; plus strand). Cytogenetic location: 1p36.21.
Variant type: single nucleotide variant.
Coding change: c.1243G>A on transcript NM_015164.4 (MANE Select); coding-DNA position 1243, G replaced by A.
Protein change: p.Asp415Asn; replaces aspartic acid 415 with asparagine.
Molecular consequence: missense variant.
Genome position (GRCh38, 1-based): chr1:15,727,315, G>A. VCF-style: chr1-15727315-G-A. GRCh37 (hg19) VCF-style: chr1-16053810-G-A.
Other names: c.1183G>A, p.Asp395Asn (NM_001410755.1); short protein forms D415N, D395N.
Identifiers: ClinVar variation 3632252 (VCV003632252.2).

ClinVar aggregate classification (germline): Uncertain significance (1 of 4 stars; one submission).

Submission:

Labcorp Genetics (formerly Invitae), Labcorp
Classification: Uncertain significance. Last evaluated: 2025-06-06. Review status: criteria provided, single submitter. Criteria: Invitae Variant Classification Sherloc (09022015). Collection method: clinical testing. Allele origin: germline.
Comment: This sequence change replaces aspartic acid, which is acidic and polar, with asparagine, which is neutral and polar, at codon 415 of the PLEKHM2 protein (p.Asp415Asn). The frequency data for this variant in the population databases is considered unreliable, as metrics indicate poor data quality at this position in the gnomAD database. This variant has not been reported in the literature in individuals affected with PLEKHM2-related conditions. ClinVar contains an entry for this variant (Variation ID: 3632252). An algorithm developed to predict the effect of missense changes on protein structure and function outputs the following: PolyPhen-2: "Benign". The asparagine amino acid residue is found in multiple mammalian species, which suggests that this missense change does not adversely affect protein function. In summary, the available evidence is currently insufficient to determine the role of this variant in disease. Therefore, it has been classified as a Variant of Uncertain Significance.